The following is an entry in ClinVar:

ClinVar aggregate classification (germline): Uncertain significance (1 of 4 stars; one submission).

Conditions:
Succinate-semialdehyde dehydrogenase deficiency (SSADHD). Also called: GABA METABOLIC DEFECT; SSADH DEFICIENCY; 4-HYDROXYBUTYRIC ACIDURIA; Succinic Semialdehyde Dehydrogenase Deficiency. Identifiers: Orphanet 22, MedGen C0268631, MONDO:0010083, OMIM 271980.

Allele frequency attached by ClinVar (database versions not stated): gnomAD exomes below 0.00001 and 0.00001; gnomAD 0.00001 and 0.00003; ExAC 0.00002; TOPMed 0.00002; ESP Exome Variant Server 0.00008; 1000 Genomes Project 0.00040; 1000 Genomes Project 30x 0.00047.
gnomAD v4.1: 8 of 1,614,078 alleles (0.0005%); highest among the groups gnomAD compares: African/African-American, 0.0067%; no homozygotes.

Submission:

Labcorp Genetics (formerly Invitae), Labcorp
Classification: Uncertain significance for Succinate-semialdehyde dehydrogenase deficiency. Last evaluated: 2017-07-24. Review status: criteria provided, single submitter. Criteria: Invitae Variant Classification Sherloc (09022015). Collection method: clinical testing. Allele origin: germline.
Comment: This sequence change replaces histidine with arginine at codon 154 of the ALDH5A1 protein (p.His154Arg). The histidine residue is weakly conserved and there is a small physicochemical difference between histidine and arginine. This variant is present in population databases (rs141686677, ExAC 0.02%). In summary, the available evidence is currently insufficient to determine the role of this variant in disease. Therefore, it has been classified as a Variant of Uncertain Significance. Algorithms developed to predict the effect of missense changes on protein structure and function (SIFT, PolyPhen-2, Align-GVGD) all suggest that this variant is likely to be tolerated, but these predictions have not been confirmed by published functional studies and their clinical significance is uncertain. This variant has not been reported in the literature in individuals with ALDH5A1-related disease.

NM_001080.3(ALDH5A1):c.461A>G (p.His154Arg)

Gene: ALDH5A1 (aldehyde dehydrogenase 5 family member A1; plus strand). Cytogenetic location: 6p22.3.
Variant type: single nucleotide variant.
Coding change: c.461A>G on transcript NM_001080.3 (MANE Select); coding-DNA position 461, A replaced by G.
Protein change: p.His154Arg; replaces histidine 154 with arginine.
Molecular consequence: missense variant.
Genome position (GRCh38, 1-based): chr6:24,503,285, A>G. VCF-style: chr6-24503285-A-G. GRCh37 (hg19) VCF-style: chr6-24503513-A-G.
Other names: c.461A>G, p.His154Arg (NM_001368954.1, NM_170740.1); short protein forms H154R.
Identifiers: ClinVar variation 459987 (VCV000459987.9), dbSNP rs141686677, ClinGen allele CA3656626.